The following is an entry in ClinVar:

ClinVar aggregate classification (germline): Uncertain significance (1 of 4 stars; one submission).

Conditions:
Nonsyndromic genetic hearing loss. Also called: Non-syndromic genetic deafness; Nonsyndromic hearing loss and deafness; Nonsyndromic genetic deafness. Identifiers: Orphanet 87884, MedGen C5680182, MONDO:0019497.

Submission:

INGEBI, INGEBI / CONICET
Classification: Uncertain significance for Nonsyndromic hearing loss and deafness. Last evaluated: 2020-08-31. Review status: criteria provided, single submitter. Criteria: ClinGen HL ACMG Specifications v1. Collection method: clinical testing. Allele origin: germline. Affected: yes. Observed: 1 variant allele.
Comment: Based on ACMG/AMP guidelines and Hearing Loss Expert Panel specific criteria: the filtering allele frequency of the c.29T>C, p.Leu10Pro variant in GJB2 gene is absent from population database gnomAD, GO-ESP, 1000 genomes) meeting PM2 criteria. This variant has been identified twice in heterozygous state and with p.Val27Ile benign variant in unknown phase in patients with hearing loss (PMID: 19887791, 12865758). Computational evidence suggested a damage impact of the mutation to the protein applying to PP3 criteria (REVELscore: 0.936). Functional studies in Hela Cells and Xenopus Laevis oocytes demonstrated difference voltage dependence and solute permeability properties in p.Leu10Pro mutant compared to WT-CX26 meeting PS3_Moderate rule (PMID: 26769242). In summary, the clinical significance of this variant is currently uncertain (PM2, PP3, PS3_Moderate)

Literature cited by the submitters: PubMed 19887791; PubMed 12865758; PubMed 26769242.

NM_004004.6(GJB2):c.29T>C (p.Leu10Pro)

Gene: GJB2 (gap junction protein beta 2; minus strand). Cytogenetic location: 13q12.11.
Variant type: single nucleotide variant.
Coding change: c.29T>C on transcript NM_004004.6 (MANE Select); coding-DNA position 29, T replaced by C.
Protein change: p.Leu10Pro; replaces leucine 10 with proline.
Molecular consequence: missense variant.
Genome position (GRCh38, 1-based): chr13:20,189,553, A>G on the plus strand (T>C on the coding strand, the complement: GJB2 is on the minus strand). VCF-style: chr13-20189553-A-G. GRCh37 (hg19) VCF-style: chr13-20763692-A-G.
Other names: short protein forms L10P.
Identifiers: ClinVar variation 978417 (VCV000978417.2), dbSNP rs1959063711, ClinGen allele CA387462233.